The following is an entry in ClinVar:

NM_016507.4(CDK12):c.3296G>C (p.Gly1099Ala)

Gene: CDK12 (cyclin dependent kinase 12; plus strand). Cytogenetic location: 17q12.
Variant type: single nucleotide variant.
Coding change: c.3296G>C on transcript NM_016507.4 (MANE Select); coding-DNA position 3296, G replaced by C.
Protein change: p.Gly1099Ala; replaces glycine 1099 with alanine.
Molecular consequence: missense variant.
Genome position (GRCh38, 1-based): chr17:39,524,874, G>C. VCF-style: chr17-39524874-G-C. GRCh37 (hg19) VCF-style: chr17-37681127-G-C.
Other names: c.3296G>C, p.Gly1099Ala (NM_015083.4); short protein forms G1099A.
Identifiers: ClinVar variation 3830742 (VCV003830742.1).

ClinVar aggregate classification (germline): Uncertain significance (1 of 4 stars; one submission).

Submission:

Ambry Genetics
Classification: Uncertain significance. Last evaluated: 2025-03-03. Review status: criteria provided, single submitter. Criteria: Ambry Variant Classification Scheme 2023. Collection method: clinical testing. Allele origin: germline.
Comment: The p.G1099A variant (also known as c.3296G>C), located in coding exon 12 of the CDK12 gene, results from a G to C substitution at nucleotide position 3296. The glycine at codon 1099 is replaced by alanine, an amino acid with similar properties. This amino acid position is conserved. In addition, this alteration is predicted to be tolerated by in silico analysis. Based on the available evidence, the clinical significance of this variant remains unclear.